The following is an entry in ClinVar:

NM_006939.4(SOS2):c.1966G>T (p.Ala656Ser)

Gene: SOS2 (SOS Ras/Rho guanine nucleotide exchange factor 2; minus strand). Cytogenetic location: 14q21.3.
Variant type: single nucleotide variant.
Coding change: c.1966G>T on transcript NM_006939.4 (MANE Select); coding-DNA position 1966, G replaced by T.
Protein change: p.Ala656Ser; replaces alanine 656 with serine.
Molecular consequence: missense variant.
Genome position (GRCh38, 1-based): chr14:50,157,090, C>A on the plus strand (G>T on the coding strand, the complement: SOS2 is on the minus strand). VCF-style: chr14-50157090-C-A. GRCh37 (hg19) VCF-style: chr14-50623808-C-A.
Other names: c.1867G>T, p.Ala623Ser (NM_001411020.1); short protein forms A623S, A656S.
Identifiers: ClinVar variation 1713585 (VCV001713585.6), dbSNP rs760318590, ClinGen allele CA389644542.

ClinVar aggregate classification (germline): Uncertain significance (1 of 4 stars; one submission).

Conditions:
Noonan syndrome 9 (NS9). Identifiers: Orphanet 648, MedGen C4225282, MONDO:0014691, OMIM 616559.

gnomAD v4.1: 2 of 1,611,868 alleles (0.00012%); highest among the groups gnomAD compares: East Asian, 0.0022%; no homozygotes.

Submission:

Labcorp Genetics (formerly Invitae), Labcorp
Classification: Uncertain significance for Noonan syndrome 9. Last evaluated: 2022-07-15. Review status: criteria provided, single submitter. Criteria: Invitae Variant Classification Sherloc (09022015). Collection method: clinical testing. Allele origin: germline.
Comment: In summary, the available evidence is currently insufficient to determine the role of this variant in disease. Therefore, it has been classified as a Variant of Uncertain Significance. Advanced modeling of protein sequence and biophysical properties (such as structural, functional, and spatial information, amino acid conservation, physicochemical variation, residue mobility, and thermodynamic stability) performed at Invitae indicates that this missense variant is not expected to disrupt SOS2 protein function. This variant has not been reported in the literature in individuals affected with SOS2-related conditions. This variant is not present in population databases (gnomAD no frequency). This sequence change replaces alanine, which is neutral and non-polar, with serine, which is neutral and polar, at codon 656 of the SOS2 protein (p.Ala656Ser).